The following is an entry in ClinVar:

ClinVar aggregate classification (germline): Uncertain significance. Review status: criteria provided, multiple submitters, no conflicts (2 of 4 stars). 2 submissions from 2 submitters: Uncertain significance (2). Last evaluated 2025-07-09.

Conditions:
Hereditary diffuse gastric adenocarcinoma (HDGC). Also called: DIFFUSE GASTRIC AND LOBULAR BREAST CANCER SYNDROME. Identifiers: Orphanet 26106, MedGen C1708349, MONDO:0007648, OMIM 137215.
Hereditary cancer-predisposing syndrome. Also called: Hereditary Cancer Syndrome; Neoplastic Syndromes, Hereditary; Hereditary neoplastic syndrome; Tumor predisposition. Identifiers: Orphanet 140162, MedGen C0027672, MeSH D009386, MONDO:0015356.

Allele frequency attached by ClinVar (database versions not stated): gnomAD exomes 0.00001.
gnomAD v4.1: 7 of 1,614,226 alleles (0.00043%); highest among the groups gnomAD compares: Non-Finnish European, 0.00059%; no homozygotes.

Submissions (2):

Labcorp Genetics (formerly Invitae), Labcorp
Classification: Uncertain significance for Hereditary diffuse gastric adenocarcinoma. Last evaluated: 2025-07-09. Review status: criteria provided, single submitter. Criteria: Invitae Variant Classification Sherloc (09022015). Collection method: clinical testing. Allele origin: germline.
Comment: This sequence change replaces leucine, which is neutral and non-polar, with valine, which is neutral and non-polar, at codon 452 of the CDH1 protein (p.Leu452Val). This variant is not present in population databases (gnomAD no frequency). This variant has not been reported in the literature in individuals affected with CDH1-related conditions. ClinVar contains an entry for this variant (Variation ID: 818990). An algorithm developed to predict the effect of missense changes on protein structure and function (PolyPhen-2) suggests that this variant is likely to be disruptive. In summary, the available evidence is currently insufficient to determine the role of this variant in disease. Therefore, it has been classified as a Variant of Uncertain Significance.

Ambry Genetics
Classification: Uncertain significance for Hereditary cancer-predisposing syndrome. Last evaluated: 2025-04-14. Review status: criteria provided, single submitter. Criteria: Ambry Variant Classification Scheme 2023. Collection method: clinical testing. Allele origin: germline.
Comment: The p.L452V variant (also known as c.1354C>G), located in coding exon 10 of the CDH1 gene, results from a C to G substitution at nucleotide position 1354. The leucine at codon 452 is replaced by valine, an amino acid with highly similar properties. This amino acid position is highly conserved in available vertebrate species. In addition, the in silico prediction for this alteration is inconclusive. Based on the available evidence, the clinical significance of this variant remains unclear.

NM_004360.5(CDH1):c.1354C>G (p.Leu452Val)

Gene: CDH1 (cadherin 1; plus strand). Cytogenetic location: 16q22.1.
Variant type: single nucleotide variant.
Coding change: c.1354C>G on transcript NM_004360.5 (MANE Select); coding-DNA position 1354, C replaced by G.
Protein change: p.Leu452Val; replaces leucine 452 with valine.
Molecular consequence: missense variant. On other transcripts: 5 prime UTR variant (2).
Genome position (GRCh38, 1-based): chr16:68,815,548, C>G. VCF-style: chr16-68815548-C-G. GRCh37 (hg19) VCF-style: chr16-68849451-C-G.
Other names: c.1171C>G, p.Leu391Val (NM_001317184.2); c.-195C>G (NM_001317185.2); c.-466C>G (NM_001317186.2); short protein forms L452V, L391V.
Identifiers: ClinVar variation 818990 (VCV000818990.7), dbSNP rs1597897808, ClinGen allele CA396462760.